The following is an entry in ClinVar:

NM_024312.5(GNPTAB):c.2659dup (p.Ser887fs)

Gene: GNPTAB (N-acetylglucosamine-1-phosphate transferase subunits alpha and beta; minus strand). Cytogenetic location: 12q23.2.
Variant type: Duplication.
Coding change: c.2659dup on transcript NM_024312.5 (MANE Select); coding-DNA position 2659, one base duplicated (A; older notation c.2659dupA).
Protein change: p.Ser887fs; shifts the reading frame from serine 887.
Molecular consequence: frameshift variant.
Genome position (GRCh38, 1-based): chr12:101,764,258, T duplicated on the plus strand (A on the coding strand, the reverse complement: GNPTAB is on the minus strand). VCF-style (leftmost placement, unchanged base first): chr12-101764257-C-CT. GRCh37 (hg19) VCF-style: chr12-102158035-C-CT.
Other names: AY687932:c.2659dupA; short protein forms S887fs.
Identifiers: ClinVar variation 38420 (VCV000038420.3), dbSNP rs281865030, ClinGen allele CA343071.

ClinVar aggregate classification (germline): Pathogenic (0 of 4 stars; one submission).

Conditions:
Mucolipidosis type II. Also called: Mucolipidosis 2; ML 2; Inclusion cell disease; Leroy Disease; N-acetylglucosamine 1phosphotransferase deficiency; ML disorder type 2. Identifiers: Orphanet 576, MedGen C2673377, MONDO:0009650, OMIM 252500.

Submission:

GeneReviews
Classification: Pathogenic for Mucolipidosis III Alpha/Beta. Last evaluated: 2012-05-10. Review status: no assertion criteria provided. Collection method: curation. Allele origin: unknown.
ClinVar note: Converted during submission from pathologic to Pathogenic.